The following is an entry in ClinVar:

NM_000465.4(BARD1):c.337A>C (p.Asn113His)

Gene: BARD1 (BRCA1 associated RING domain 1; minus strand). Cytogenetic location: 2q35.
Variant type: single nucleotide variant.
Coding change: c.337A>C on transcript NM_000465.4 (MANE Select); coding-DNA position 337, A replaced by C.
Protein change: p.Asn113His; replaces asparagine 113 with histidine.
Molecular consequence: missense variant. On other transcripts: non-coding transcript variant (1), intron variant (2).
Genome position (GRCh38, 1-based): chr2:214,792,324, T>G on the plus strand (A>C on the coding strand, the complement: BARD1 is on the minus strand). VCF-style: chr2-214792324-T-G. GRCh37 (hg19) VCF-style: chr2-215657048-T-G.
Other names: c.280A>C, p.Asn94His (NM_001282543.2); c.337A>C, p.Asn113His (NM_001282549.2); c.158+17088A>C (NM_001282548.2); c.215+4737A>C (NM_001282545.2); short protein forms N113H, N94H.
Identifiers: ClinVar variation 925245 (VCV000925245.5), dbSNP rs1695555115, ClinGen allele CA350460835.

ClinVar aggregate classification (germline): Uncertain significance (1 of 4 stars; one submission).

Conditions:
Hereditary cancer-predisposing syndrome. Also called: Neoplastic Syndromes, Hereditary; Tumor predisposition; Hereditary Cancer Syndrome; Hereditary neoplastic syndrome. Identifiers: Orphanet 140162, MedGen C0027672, MeSH D009386, MONDO:0015356.

Submission:

Color Diagnostics, LLC DBA Color Health
Classification: Uncertain significance for Hereditary cancer-predisposing syndrome. Last evaluated: 2023-12-04. Review status: criteria provided, single submitter. Criteria: ACMG Guidelines, 2015. Collection method: clinical testing. Allele origin: germline.
Comment: This missense variant replaces asparagine with histidine at codon 113 of the BARD1 protein. Computational prediction tools and conservation analyses are inconclusive regarding the impact of this variant on protein structure and function. Splice site prediction tools suggest that this variant may not impact RNA splicing. To our knowledge, functional studies have not been performed for this variant. This variant has not been reported in individuals affected with hereditary cancer in the literature. This variant has not been identified in the general population by the Genome Aggregation Database (gnomAD). The available evidence is insufficient to determine the role of this variant in disease conclusively. Therefore, this variant is classified as a Variant of Uncertain Significance.